The following is an entry in ClinVar:

NM_152269.5(MTRFR):c.*6G>A

Gene: MTRFR (mitochondrial translation release factor in rescue; plus strand). Cytogenetic location: 12q24.31.
Variant type: single nucleotide variant.
Coding change: c.*6G>A on transcript NM_152269.5 (MANE Select); 6 bases downstream of the stop codon, G replaced by A.
Molecular consequence: 3 prime UTR variant.
Genome position (GRCh38, 1-based): chr12:123,257,037, G>A. VCF-style: chr12-123257037-G-A. GRCh37 (hg19) VCF-style: chr12-123741584-G-A.
Other names: c.*6G>A (NM_001143905.2, NM_001194995.1).
Identifiers: ClinVar variation 386425 (VCV000386425.1), dbSNP rs903846190, ClinGen allele CA16606096.

ClinVar aggregate classification (germline): Likely benign (1 of 4 stars; one submission).

Allele frequency attached by ClinVar (database versions not stated): TOPMed 0.00001.
gnomAD v4.1: 2 of 1,605,332 alleles (0.00012%); highest among the groups gnomAD compares: Non-Finnish European, 0.00017%; no homozygotes.

Submission:

GeneDx
Classification: Likely benign. Last evaluated: 2016-06-08. Review status: criteria provided, single submitter. Criteria: GeneDx Variant Classification (06012015). Collection method: clinical testing. Allele origin: germline. Affected: yes.
Comment: This variant is considered likely benign or benign based on one or more of the following criteria: it is a conservative change, it occurs at a poorly conserved position in the protein, it is predicted to be benign by multiple in silico algorithms, and/or has population frequency not consistent with disease.